The following is an entry in ClinVar:

NM_018127.7(ELAC2):c.120G>T (p.Leu40=)

Gene: ELAC2 (elaC ribonuclease Z 2; minus strand). Cytogenetic location: 17p12.
Variant type: single nucleotide variant.
Coding change: c.120G>T on transcript NM_018127.7 (MANE Select); coding-DNA position 120, G replaced by T.
Protein change: p.Leu40=; no amino-acid change (leucine 40 retained).
Molecular consequence: synonymous variant.
Genome position (GRCh38, 1-based): chr17:13,017,828, C>A on the plus strand (G>T on the coding strand, the complement: ELAC2 is on the minus strand). VCF-style: chr17-13017828-C-A. GRCh37 (hg19) VCF-style: chr17-12921145-C-A.
Other names: c.120G>T, p.Leu40= (NM_001165962.2, NM_173717.2).
Identifiers: ClinVar variation 1637031 (VCV001637031.32), dbSNP rs368781017, ClinGen allele CA8401834.
Genomic context (GRCh38, chr17:13,017,828, plus strand): 5'-CAGGTACACGGTGTTTGGGCCGCCGGAGCACCCCGACGGTCCGCGCTTCTCTCGCGTGCG[C>A]AGGTGCCGCAGCGGGTCCTTGCGCGGCCGCTCGCGGCGGGCGGGTGCCTGCGATATGGTG-3'
Protein context (NP_060597.4, residues 30-50): ERPRKDPLRH[Leu40=]RTREKRGPSG

ClinVar aggregate classification (germline): Likely benign. Review status: criteria provided, multiple submitters, no conflicts (2 of 4 stars). 2 submissions from 2 submitters: Likely benign (2). Last evaluated 2025-05-07.

Conditions:
Combined oxidative phosphorylation defect type 17. Also called: Combined oxidative phosphorylation deficiency 17. Identifiers: Orphanet 369913, MedGen C3809526, MONDO:0014190, OMIM 615440.

Allele frequency attached by ClinVar (database versions not stated): ESP Exome Variant Server 0.00008; ExAC 0.00002; gnomAD exomes 0.00002.
gnomAD v4.1: 6 of 1,590,006 alleles (0.00038%); highest among the groups gnomAD compares: African/African-American, 0.0067%; no homozygotes.

Submissions (2):

Labcorp Genetics (formerly Invitae), Labcorp
Classification: Likely benign for Combined oxidative phosphorylation defect type 17. Last evaluated: 2025-05-07. Review status: criteria provided, single submitter. Criteria: Invitae Variant Classification Sherloc (09022015). Collection method: clinical testing. Allele origin: germline.

CeGaT Center for Human Genetics Tuebingen
Classification: Likely benign. Last evaluated: 2023-05-01. Review status: criteria provided, single submitter. Criteria: CeGaT Center For Human Genetics Tuebingen Variant Classification Criteria Version 2. Collection method: clinical testing. Allele origin: germline. Affected: yes. Observed: 1 variant allele.
Comment: ELAC2: BP4, BP7